The following is an entry in ClinVar:

NM_001040167.2(LFNG):c.10C>G (p.Arg4Gly)

Genes: LFNG (LFNG O-fucosylpeptide 3-beta-N-acetylglucosaminyltransferase; plus strand), LOC129997823 (ATAC-STARR-seq lymphoblastoid silent region 17876; plus strand). Cytogenetic location: 7p22.3.
Variant type: single nucleotide variant.
Coding change: c.10C>G on transcript NM_001040167.2 (MANE Select); coding-DNA position 10, C replaced by G.
Protein change: p.Arg4Gly; replaces arginine 4 with glycine.
Molecular consequence: missense variant. On other transcripts: intron variant (2).
Genome position (GRCh38, 1-based): chr7:2,519,871, C>G. VCF-style: chr7-2519871-C-G. GRCh37 (hg19) VCF-style: chr7-2559505-C-G.
Other names: c.10C>G, p.Arg4Gly (NM_001040168.2); c.220-4824C>G (NM_001166355.2); c.45+1273C>G (NM_002304.3); short protein forms R4G.
Identifiers: ClinVar variation 1515480 (VCV001515480.6), dbSNP rs1341252096, ClinGen allele CA366612686.

ClinVar aggregate classification (germline): Uncertain significance (1 of 4 stars; one submission).

Conditions:
Spondylocostal dysostosis 3, autosomal recessive (SCDO3). Also called: LFNG-Related Spondylocostal Dysostosis, Autosomal Recessive. Identifiers: Orphanet 2311, MedGen C1853296, MONDO:0012349, OMIM 609813.

Submission:

Labcorp Genetics (formerly Invitae), Labcorp
Classification: Uncertain significance for Spondylocostal dysostosis 3, autosomal recessive. Last evaluated: 2024-07-01. Review status: criteria provided, single submitter. Criteria: Invitae Variant Classification Sherloc (09022015). Collection method: clinical testing. Allele origin: germline.
Comment: This sequence change replaces arginine, which is basic and polar, with glycine, which is neutral and non-polar, at codon 4 of the LFNG protein (p.Arg4Gly). This variant is not present in population databases (gnomAD no frequency). This variant has not been reported in the literature in individuals affected with LFNG-related conditions. ClinVar contains an entry for this variant (Variation ID: 1515480). Algorithms developed to predict the effect of missense changes on protein structure and function output the following: SIFT: "Not Available"; PolyPhen-2: "Not Available"; Align-GVGD: "Not Available". The glycine amino acid residue is found in multiple mammalian species, which suggests that this missense change does not adversely affect protein function. In summary, the available evidence is currently insufficient to determine the role of this variant in disease. Therefore, it has been classified as a Variant of Uncertain Significance.